The following is an entry in ClinVar:

NM_000081.4(LYST):c.5023+3G>A

Gene: LYST (lysosomal trafficking regulator; minus strand). Cytogenetic location: 1q42.3.
Variant type: single nucleotide variant.
Coding change: c.5023+3G>A on transcript NM_000081.4 (MANE Select); 3 bases into the intron after coding-DNA position 5023, G replaced by A.
Molecular consequence: intron variant.
Genome position (GRCh38, 1-based): chr1:235,781,924, C>T on the plus strand (G>A on the coding strand, the complement: LYST is on the minus strand). VCF-style: chr1-235781924-C-T. GRCh37 (hg19) VCF-style: chr1-235945224-C-T.
Other names: c.5023+3G>A (NM_001301365.1).
Identifiers: ClinVar variation 2127185 (VCV002127185.4), dbSNP rs758506488, ClinGen allele CA1466713.

ClinVar aggregate classification (germline): Uncertain significance (1 of 4 stars; one submission).

Conditions:
Chédiak-Higashi syndrome (CHS). Also called: Chediak-Higashi Syndrome. Identifiers: Orphanet 167, MedGen C0007965, MONDO:0008963, OMIM 214500.

Allele frequency attached by ClinVar (database versions not stated): ExAC 0.00001.
gnomAD v4.1: 1 of 1,601,790 alleles (0.000062%); no homozygotes.

Submission:

Labcorp Genetics (formerly Invitae), Labcorp
Classification: Uncertain significance for Chédiak-Higashi syndrome. Last evaluated: 2022-04-17. Review status: criteria provided, single submitter. Criteria: Invitae Variant Classification Sherloc (09022015). Collection method: clinical testing. Allele origin: germline.
Comment: In summary, the available evidence is currently insufficient to determine the role of this variant in disease. Therefore, it has been classified as a Variant of Uncertain Significance. Variants that disrupt the consensus splice site are a relatively common cause of aberrant splicing (PMID: 17576681, 9536098). Algorithms developed to predict the effect of sequence changes on RNA splicing suggest that this variant is not likely to affect RNA splicing. This variant has not been reported in the literature in individuals affected with LYST-related conditions. This variant is not present in population databases (gnomAD no frequency). This sequence change falls in intron 15 of the LYST gene. It does not directly change the encoded amino acid sequence of the LYST protein. It affects a nucleotide within the consensus splice site.

Literature cited by the submitters: PubMed 17576681; PubMed 9536098.